The following is an entry in ClinVar:

NM_002476.2(MYL4):c.583A>G (p.Met195Val)

Gene: MYL4 (myosin light chain 4; plus strand). Cytogenetic location: 17q21.32.
Variant type: single nucleotide variant.
Coding change: c.583A>G on transcript NM_002476.2 (MANE Select); coding-DNA position 583, A replaced by G.
Protein change: p.Met195Val; replaces methionine 195 with valine.
Molecular consequence: missense variant.
Genome position (GRCh38, 1-based): chr17:47,223,031, A>G. VCF-style: chr17-47223031-A-G. GRCh37 (hg19) VCF-style: chr17-45300397-A-G.
Other names: c.583A>G, p.Met195Val (NM_001002841.2); short protein forms M195V.
Identifiers: ClinVar variation 1966224 (VCV001966224.5), dbSNP rs2547601065, ClinGen allele CA400023204.
Genomic context (GRCh38, chr17:47,223,031, plus strand): 5'-AGGCGCTGAGCCACATGGTGGCTGATTTTCACTTTTTTCCTAGCCTTTGTCAAGCACATC[A>G]TGTCAGGGTGAAGCAGAGTCTTCCAGGTGAGTGCAGCCTCTCCCTCCTGGTCCCTTCCGG-3'
Protein context (NP_002467.1, residues 185-197): INYEAFVKHI[Met195Val]SG

ClinVar aggregate classification (germline): Uncertain significance (1 of 4 stars; one submission).

Conditions:
Atrial fibrillation, familial, 18 (ATFB18). Identifiers: MedGen C4310636, MONDO:0015001, OMIM 617280.

Submission:

Labcorp Genetics (formerly Invitae), Labcorp
Classification: Uncertain significance for Atrial fibrillation, familial, 18. Last evaluated: 2022-10-09. Review status: criteria provided, single submitter. Criteria: Invitae Variant Classification Sherloc (09022015). Collection method: clinical testing. Allele origin: germline.
Comment: Algorithms developed to predict the effect of missense changes on protein structure and function are either unavailable or do not agree on the potential impact of this missense change (SIFT: "Deleterious"; PolyPhen-2: "Benign"; Align-GVGD: "Class C0"). In summary, the available evidence is currently insufficient to determine the role of this variant in disease. Therefore, it has been classified as a Variant of Uncertain Significance. This variant has not been reported in the literature in individuals affected with MYL4-related conditions. This sequence change replaces methionine, which is neutral and non-polar, with valine, which is neutral and non-polar, at codon 195 of the MYL4 protein (p.Met195Val). This variant is not present in population databases (gnomAD no frequency).